The following is an entry in ClinVar:

ClinVar aggregate classification (germline): Uncertain significance. Review status: criteria provided, multiple submitters, no conflicts (2 of 4 stars). 2 submissions from 2 submitters: Uncertain significance (2). Last evaluated 2026-07-18.

Conditions:
Hereditary cancer-predisposing syndrome. Also called: Neoplastic Syndromes, Hereditary; Tumor predisposition; Hereditary Cancer Syndrome; Hereditary neoplastic syndrome. Identifiers: Orphanet 140162, MedGen C0027672, MeSH D009386, MONDO:0015356.
Familial adenomatous polyposis 2. Also called: COLORECTAL ADENOMATOUS POLYPOSIS, AUTOSOMAL RECESSIVE; ADENOMAS, MULTIPLE COLORECTAL, AUTOSOMAL RECESSIVE; MYH-associated polyposis; MUTYH Polyposis; Adenomas, multiple colorectal; FAP type 2. Identifiers: Orphanet 220460, Orphanet 247798, MedGen C3272841, MONDO:0012041, OMIM 608456.

gnomAD v4.1: 1 of 1,613,856 alleles (0.000062%); no homozygotes.

Submissions (2):

Ambry Genetics
Classification: Uncertain significance for Hereditary cancer-predisposing syndrome. Last evaluated: 2026-07-18. Review status: criteria provided, single submitter. Criteria: Ambry Variant Classification Scheme 2023. Collection method: clinical testing. Allele origin: germline.
Comment: The p.R7H variant (also known as c.20G>A), located in coding exon 1 of the MUTYH gene, results from a G to A substitution at nucleotide position 20. The arginine at codon 7 is replaced by histidine, an amino acid with highly similar properties. This amino acid position is conserved. In addition, this alteration is predicted to be tolerated by in silico analysis. Based on the available evidence, the clinical significance of this variant remains unclear.

Labcorp Genetics (formerly Invitae), Labcorp
Classification: Uncertain significance for Familial adenomatous polyposis 2. Last evaluated: 2023-06-15. Review status: criteria provided, single submitter. Criteria: Invitae Variant Classification Sherloc (09022015). Collection method: clinical testing. Allele origin: germline.
Comment: This sequence change replaces arginine, which is basic and polar, with histidine, which is basic and polar, at codon 7 of the MUTYH protein (p.Arg7His). This variant is not present in population databases (gnomAD no frequency). This variant has not been reported in the literature in individuals affected with MUTYH-related conditions. ClinVar contains an entry for this variant (Variation ID: 1522656). An algorithm developed to predict the effect of missense changes on protein structure and function (PolyPhen-2) suggests that this variant is likely to be tolerated. In summary, the available evidence is currently insufficient to determine the role of this variant in disease. Therefore, it has been classified as a Variant of Uncertain Significance.

NM_001128425.2(MUTYH):c.20G>A (p.Arg7His)

Genes: MUTYH (mutY DNA glycosylase; minus strand), TOE1 (target of EGR1, exonuclease; plus strand). Cytogenetic location: 1p34.1.
Variant type: single nucleotide variant.
Coding change: c.20G>A on transcript NM_001128425.2 (MANE Plus Clinical); coding-DNA position 20, G replaced by A.
Protein change: p.Arg7His; replaces arginine 7 with histidine.
Molecular consequence: missense variant. On other transcripts: 5 prime UTR variant (8), non-coding transcript variant (3).
Genome position (GRCh38, 1-based): chr1:45,340,235, C>T on the plus strand (G>A on the coding strand, the complement: MUTYH is on the minus strand). VCF-style: chr1-45340235-C-T. GRCh37 (hg19) VCF-style: chr1-45805907-C-T.
Other names: c.20G>A, p.Arg7His (NM_001293190.2, NM_001407069.1, NM_001407073.1 and 1 more transcripts); c.-235G>A (NM_001293192.2); c.-294G>A (NM_001350650.2); c.-230G>A (NM_001350651.2); c.-39G>A (NM_001407070.1, NM_001407071.1); c.-19G>A (NM_001407072.1); c.-18C>T (NM_025077.4); c.-23G>A (NM_001048171.2); short protein forms R7H.
Identifiers: ClinVar variation 1522656 (VCV001522656.9), dbSNP rs1114167687, ClinGen allele CA340137873.
Genomic context (GRCh38, chr1:45,340,235, plus strand): 5'-ACTGCCTGAACCGCGCCAGGAGACGGACCGCAAGTCCAGCGTACCCACAGACGACTCAGG[C>T]GGGAGACGAGCGGTGTCATGGCCGCCGACAGTGACGATGGCGCAGTTTCAGCTCCCGCAG-3'
Protein context (NP_001121897.1, residues 1-17): MTPLVS[Arg7His]LSRLWAIMRK